The following is an entry in ClinVar:

NM_000810.4(GABRA5):c.503C>G (p.Thr168Ser)

Gene: GABRA5 (gamma-aminobutyric acid type A receptor subunit alpha5; plus strand). Cytogenetic location: 15q12.
Variant type: single nucleotide variant.
Coding change: c.503C>G on transcript NM_000810.4 (MANE Select); coding-DNA position 503, C replaced by G.
Protein change: p.Thr168Ser; replaces threonine 168 with serine.
Molecular consequence: missense variant.
Genome position (GRCh38, 1-based): chr15:26,914,808, C>G. VCF-style: chr15-26914808-C-G. GRCh37 (hg19) VCF-style: chr15-27159955-C-G.
Other names: c.503C>G, p.Thr168Ser (NM_001165037.2); short protein forms T168S.
Identifiers: ClinVar variation 3731201 (VCV003731201.1).

ClinVar aggregate classification (germline): Uncertain significance (1 of 4 stars; one submission).

Submission:

GeneDx
Classification: Uncertain significance. Last evaluated: 2024-08-14. Review status: criteria provided, single submitter. Criteria: GeneDx Variant Classification Process June 2021. Collection method: clinical testing. Allele origin: germline. Affected: yes.
Comment: Not observed at significant frequency in large population cohorts (gnomAD); In silico analysis supports that this missense variant has a deleterious effect on protein structure/function; Has not been previously published as pathogenic or benign to our knowledge